The following is an entry in ClinVar:

NM_002292.4(LAMB2):c.4729G>A (p.Val1577Ile)

Gene: LAMB2 (laminin subunit beta 2; minus strand). Cytogenetic location: 3p21.31.
Variant type: single nucleotide variant.
Coding change: c.4729G>A on transcript NM_002292.4 (MANE Select); coding-DNA position 4729, G replaced by A.
Protein change: p.Val1577Ile; replaces valine 1577 with isoleucine.
Molecular consequence: missense variant.
Genome position (GRCh38, 1-based): chr3:49,122,215, C>T on the plus strand (G>A on the coding strand, the complement: LAMB2 is on the minus strand). VCF-style: chr3-49122215-C-T. GRCh37 (hg19) VCF-style: chr3-49159648-C-T.
Other names: short protein forms V1577I.
Identifiers: ClinVar variation 2131698 (VCV002131698.4), dbSNP rs2472518128, ClinGen allele CA352689334.

ClinVar aggregate classification (germline): Uncertain significance (1 of 4 stars; one submission).

Conditions:
Pierson syndrome. Also called: MICROCORIA-CONGENITAL NEPHROTIC SYNDROME. Identifiers: Orphanet 2670, MedGen C1836876, MONDO:0012184, OMIM 609049.
LAMB2-related infantile-onset nephrotic syndrome. Also called: Nephrotic Syndrome, type 5; NEPHROTIC SYNDROME, TYPE 5, WITHOUT OCULAR ABNORMALITIES; NEPHROTIC SYNDROME, TYPE 5, WITH OCULAR ABNORMALITIES. Identifiers: Orphanet 306507, MedGen C3280113, MONDO:0013621, OMIM 614199.

Allele frequency attached by ClinVar (database versions not stated): gnomAD exomes below 0.00001.

Submission:

Labcorp Genetics (formerly Invitae), Labcorp
Classification: Uncertain significance for LAMB2-related infantile-onset nephrotic syndrome; Pierson syndrome. Last evaluated: 2022-05-27. Review status: criteria provided, single submitter. Criteria: Invitae Variant Classification Sherloc (09022015). Collection method: clinical testing. Allele origin: germline.
Comment: This sequence change replaces valine, which is neutral and non-polar, with isoleucine, which is neutral and non-polar, at codon 1577 of the LAMB2 protein (p.Val1577Ile). In summary, the available evidence is currently insufficient to determine the role of this variant in disease. Therefore, it has been classified as a Variant of Uncertain Significance. Algorithms developed to predict the effect of missense changes on protein structure and function (SIFT, PolyPhen-2, Align-GVGD) all suggest that this variant is likely to be tolerated. This variant has not been reported in the literature in individuals affected with LAMB2-related conditions. This variant is not present in population databases (gnomAD no frequency).